The following is an entry in ClinVar:

ClinVar aggregate classification (germline): Likely benign. Review status: criteria provided, multiple submitters, no conflicts (2 of 4 stars). 2 submissions from 2 submitters: Likely benign (2). Last evaluated 2024-11-26.

Conditions:
LAMA2-related muscular dystrophy (LAMA2-RD). Also called: Laminin alpha 2-related dystrophy. Identifiers: MedGen C5679788, MONDO:0100228.

Allele frequency attached by ClinVar (database versions not stated): gnomAD exomes below 0.00001.
gnomAD v4.1: 1 of 1,598,608 alleles (0.000063%); highest among the groups gnomAD compares: Non-Finnish European, 0.000085%; no homozygotes.

Submissions (2):

Women's Health and Genetics/Laboratory Corporation of America, LabCorp
Classification: Likely benign. Last evaluated: 2024-11-26. Review status: criteria provided, single submitter. Criteria: LabCorp Variant Classification Summary - May 2015. Collection method: clinical testing. Allele origin: germline.
Comment: Variant summary: LAMA2 c.87G>A alters a non-conserved nucleotide resulting in a synonymous change. Consensus agreement among computation tools predict no significant impact on normal splicing. However, these predictions have yet to be confirmed by functional studies. The variant was absent in 219660 control chromosomes. The available data on variant occurrences in the general population are insufficient to allow any conclusion about variant significance. To our knowledge, no occurrence of c.87G>A in individuals affected with Merosin deficient congenital muscular dystrophy and no experimental evidence demonstrating its impact on protein function have been reported. ClinVar contains an entry for this variant (Variation ID: 2912299). Based on the evidence outlined above, the variant was classified as likely benign.

Labcorp Genetics (formerly Invitae), Labcorp
Classification: Likely benign for LAMA2-related muscular dystrophy. Last evaluated: 2023-05-12. Review status: criteria provided, single submitter. Criteria: Invitae Variant Classification Sherloc (09022015). Collection method: clinical testing. Allele origin: germline.

NM_000426.4(LAMA2):c.87G>A (p.Arg29=)

Gene: LAMA2 (laminin subunit alpha 2; plus strand). Cytogenetic location: 6q22.33.
Variant type: single nucleotide variant.
Coding change: c.87G>A on transcript NM_000426.4 (MANE Select); coding-DNA position 87, G replaced by A.
Protein change: p.Arg29=; no amino-acid change (arginine 29 retained).
Molecular consequence: synonymous variant.
Genome position (GRCh38, 1-based): chr6:128,883,332, G>A. VCF-style: chr6-128883332-G-A. GRCh37 (hg19) VCF-style: chr6-129204477-G-A.
Other names: c.87G>A, p.Arg29= (NM_001079823.2).
Identifiers: ClinVar variation 2912299 (VCV002912299.5), dbSNP rs2482367346, ClinGen allele CA451951568.